The following is an entry in ClinVar:

ClinVar aggregate classification (germline): Likely pathogenic. Review status: criteria provided, multiple submitters, no conflicts (2 of 4 stars). 3 submissions from 3 submitters: Likely pathogenic (3). Last evaluated 2023-02-21.

Conditions:
MYO18B-related disorder. Also called: MYO18B-related condition.

Allele frequency attached by ClinVar (database versions not stated): gnomAD 0.00001; TOPMed 0.00001.
gnomAD v4.1: 38 of 1,549,966 alleles (0.0025%); highest among the groups gnomAD compares: Non-Finnish European, 0.0033%; no homozygotes.

Submissions (3):

PreventionGenetics, part of Exact Sciences
Classification: Likely pathogenic for MYO18B-related condition. Last evaluated: 2023-02-21. Review status: criteria provided, single submitter. Criteria: ACMG Guidelines, 2015. Collection method: clinical testing. Allele origin: germline.
Comment: The MYO18B c.1692+1G>A variant is predicted to disrupt the GT donor site and interfere with normal splicing. To our knowledge, this variant has not been reported in the literature or in a large population database, indicating this variant is rare. Variants that disrupt the consensus splice donor site in MYO18B are expected to be pathogenic. This variant is interpreted as likely pathogenic.

Labcorp Genetics (formerly Invitae), Labcorp
Classification: Likely pathogenic. Last evaluated: 2023-02-09. Review status: criteria provided, single submitter. Criteria: Invitae Variant Classification Sherloc (09022015). Collection method: clinical testing. Allele origin: germline.
Comment: In summary, the currently available evidence indicates that the variant is pathogenic, but additional data are needed to prove that conclusively. Therefore, this variant has been classified as Likely Pathogenic. Algorithms developed to predict the effect of sequence changes on RNA splicing suggest that this variant may disrupt the consensus splice site. This variant has not been reported in the literature in individuals affected with MYO18B-related conditions. This variant is not present in population databases (gnomAD no frequency). This sequence change affects a donor splice site in intron 6 of the MYO18B gene. It is expected to disrupt RNA splicing. Variants that disrupt the donor or acceptor splice site typically lead to a loss of protein function (PMID: 16199547), and loss-of-function variants in MYO18B are known to be pathogenic (PMID: 25748484, 32184166, 32637634).

Blueprint Genetics
Classification: Likely pathogenic for MYO18B-related disorders. Last evaluated: 2020-10-02. Review status: criteria provided, single submitter. Criteria: ACMG Guidelines, 2015. Collection method: clinical testing. Allele origin: germline. Affected: yes. Observed: 1 variant allele.

Literature cited by the submitters: PubMed 16199547 (cited by Labcorp Genetics (formerly Invitae), Labcorp); PubMed 25748484 (cited by Labcorp Genetics (formerly Invitae), Labcorp); PubMed 32184166 (cited by Labcorp Genetics (formerly Invitae), Labcorp); PubMed 32637634 (cited by Labcorp Genetics (formerly Invitae), Labcorp).

NM_032608.7(MYO18B):c.1692+1G>A

Gene: MYO18B (myosin XVIIIB; plus strand). Cytogenetic location: 22q12.1.
Variant type: single nucleotide variant.
Coding change: c.1692+1G>A on transcript NM_032608.7 (MANE Select); the canonical splice donor site of the intron after coding-DNA position 1692, G replaced by A.
Molecular consequence: splice donor variant.
Genome position (GRCh38, 1-based): chr22:25,770,985, G>A. VCF-style: chr22-25770985-G-A. GRCh37 (hg19) VCF-style: chr22-26166952-G-A.
Other names: c.1692+1G>A (NM_001318245.2).
Identifiers: ClinVar variation 2636578 (VCV002636578.5), dbSNP rs2086697982, ClinGen allele CA411005778.
Genomic context (GRCh38, chr22:25,770,985, plus strand): 5'-AGACTTTGGATTGATGCTGACAAAACCATCACTGAGGTGGATGAGGAGCATGTCCATCGG[G>A]TGAGTCCCCTGTCCCGCCGTCCCCCAGCATGAGTCCCCTGTCCCACTTCACCCCAGCTCC-3'